The following is an entry in ClinVar:

ClinVar aggregate classification (germline): Uncertain significance (1 of 4 stars; one submission).

Submission:

GeneDx
Classification: Uncertain significance. Last evaluated: 2023-12-14. Review status: criteria provided, single submitter. Criteria: GeneDx Variant Classification Process June 2021. Collection method: clinical testing. Allele origin: germline. Affected: yes.
Comment: Not observed at significant frequency in large population cohorts (gnomAD); In silico analysis supports that this missense variant does not alter protein structure/function; Has not been previously published as pathogenic or benign to our knowledge

NM_022124.6(CDH23):c.8086C>G (p.Leu2696Val)

Gene: CDH23 (cadherin related 23; plus strand). Cytogenetic location: 10q22.1.
Variant type: single nucleotide variant.
Coding change: c.8086C>G on transcript NM_022124.6 (MANE Select); coding-DNA position 8086, C replaced by G.
Protein change: p.Leu2696Val; replaces leucine 2696 with valine.
Molecular consequence: missense variant.
Genome position (GRCh38, 1-based): chr10:71,806,189, C>G. VCF-style: chr10-71806189-C-G. GRCh37 (hg19) VCF-style: chr10-73565946-C-G.
Other names: c.1366C>G, p.Leu456Val (NM_001171933.1, NM_001171934.1); short protein forms L2696V, L456V.
Identifiers: ClinVar variation 3365568 (VCV003365568.1).